The following is an entry in ClinVar:

NM_006440.5(TXNRD2):c.529A>G (p.Ile177Val)

Gene: TXNRD2 (thioredoxin reductase 2; minus strand). Cytogenetic location: 22q11.21.
Variant type: single nucleotide variant.
Coding change: c.529A>G on transcript NM_006440.5 (MANE Select); coding-DNA position 529, A replaced by G.
Protein change: p.Ile177Val; replaces isoleucine 177 with valine.
Molecular consequence: missense variant. On other transcripts: non-coding transcript variant (1).
Genome position (GRCh38, 1-based): chr22:19,915,276, T>C on the plus strand (A>G on the coding strand, the complement: TXNRD2 is on the minus strand). VCF-style: chr22-19915276-T-C. GRCh37 (hg19) VCF-style: chr22-19902799-T-C.
Other names: c.529A>G, p.Ile177Val (NM_001282512.3); c.526A>G, p.Ile176Val (NM_001352300.2); c.439A>G, p.Ile147Val (NM_001352301.2); c.241A>G, p.Ile81Val (NM_001352302.2); c.433A>G, p.Ile145Val (NM_001352303.2); short protein forms I145V, I147V, I176V, I177V, I81V.
Identifiers: ClinVar variation 1318484 (VCV001318484.14), dbSNP rs373970291, ClinGen allele CA10104137.

ClinVar aggregate classification (germline): Conflicting classifications of pathogenicity. Review status: criteria provided, conflicting classifications (1 of 4 stars). 4 submissions from 4 submitters: Uncertain significance (3); Likely benign (1). Last evaluated 2024-11-13.

Conditions:
Glucocorticoid deficiency 5. Identifiers: MedGen C4540522, MONDO:0040502, OMIM 617825.
Primary dilated cardiomyopathy (DCM). Also called: Dilated Cardiomyopathy. Identifiers: Orphanet 217604, MedGen C0007193, MeSH D002311, MONDO:0005021, HP:0001644. Inheritance: Various modes of inheritance.
Cardiovascular phenotype. Identifiers: MedGen CN230736.

Allele frequency attached by ClinVar (database versions not stated): ExAC 0.00001; gnomAD 0.00001; gnomAD exomes 0.00001; TOPMed 0.00002; ESP Exome Variant Server 0.00008.
gnomAD v4.1: 4 of 1,613,282 alleles (0.00025%); highest among the groups gnomAD compares: Non-Finnish European, 0.00034%; no homozygotes.

Submissions (4):

Ambry Genetics
Classification: Likely benign for Cardiovascular phenotype. Last evaluated: 2024-11-13. Review status: criteria provided, single submitter. Criteria: Ambry Variant Classification Scheme 2023. Collection method: clinical testing. Allele origin: germline.

Labcorp Genetics (formerly Invitae), Labcorp
Classification: Uncertain significance for Primary dilated cardiomyopathy. Last evaluated: 2022-07-26. Review status: criteria provided, single submitter. Criteria: Invitae Variant Classification Sherloc (09022015). Collection method: clinical testing. Allele origin: germline.
Comment: This sequence change replaces isoleucine, which is neutral and non-polar, with valine, which is neutral and non-polar, at codon 177 of the TXNRD2 protein (p.Ile177Val). This variant is present in population databases (rs373970291, gnomAD 0.0009%). This variant has not been reported in the literature in individuals affected with TXNRD2-related conditions. ClinVar contains an entry for this variant (Variation ID: 1318484). Algorithms developed to predict the effect of missense changes on protein structure and function (SIFT, PolyPhen-2, Align-GVGD) all suggest that this variant is likely to be tolerated. Algorithms developed to predict the effect of sequence changes on RNA splicing suggest that this variant may create or strengthen a splice site. In summary, the available evidence is currently insufficient to determine the role of this variant in disease. Therefore, it has been classified as a Variant of Uncertain Significance.

Fulgent Genetics
Classification: Uncertain significance for Glucocorticoid deficiency 5. Last evaluated: 2021-11-01. Review status: criteria provided, single submitter. Criteria: ACMG Guidelines, 2015. Collection method: clinical testing. Allele origin: unknown.

GeneDx
Classification: Uncertain significance. Last evaluated: 2020-07-06. Review status: criteria provided, single submitter. Criteria: GeneDx Variant Classification Process June 2021. Collection method: clinical testing. Allele origin: germline. Affected: yes.
Comment: Has not been previously published as pathogenic or benign to our knowledge; Not observed at a significant frequency in large population cohorts (Lek et al., 2016); In silico analysis supports that this missense variant does not alter protein structure/function